The following is an entry in ClinVar:

ClinVar aggregate classification (germline): Benign. Review status: criteria provided, multiple submitters, no conflicts (2 of 4 stars). 9 submissions from 8 submitters: Benign (8). 1 of the submissions does not count toward it. Last evaluated 2026-02-04.

Conditions:
Hereditary diffuse leukoencephalopathy with spheroids. Also called: LEUKOENCEPHALOPATHY, ADULT-ONSET, WITH AXONAL SPHEROIDS AND PIGMENTED GLIA. Identifiers: Orphanet 313808, MedGen C3711381, MONDO:0030796.
Brain abnormalities, neurodegeneration, and dysosteosclerosis. Identifiers: MedGen C5193117, MONDO:0032772, OMIM 618476.

Allele frequency attached by ClinVar (database versions not stated): 1000 Genomes Project 0.33526; 1000 Genomes Project 30x 0.33542; TOPMed 0.42793; gnomAD 0.46165 and 0.46517; ESP Exome Variant Server 0.47370; gnomAD exomes 0.47987; ExAC 0.48718.
gnomAD v4.1: 847,564 of 1,613,380 alleles (53%); highest among the groups gnomAD compares: Non-Finnish European, 56%; 232,598 homozygotes.

Submissions (9):

Labcorp Genetics (formerly Invitae), Labcorp
Classification: Benign. Last evaluated: 2026-02-04. Review status: criteria provided, single submitter. Criteria: Invitae Variant Classification Sherloc (09022015). Collection method: clinical testing. Allele origin: germline.

Blueprint Genetics
Classification: Benign. Last evaluated: 2024-11-26. Review status: criteria provided, single submitter. Criteria: ACMG Guidelines, 2015. Collection method: clinical testing. Allele origin: germline.

Mayo Clinic Laboratories, Mayo Clinic
Classification: Benign. Last evaluated: 2022-03-24. Review status: criteria provided, single submitter. Criteria: ACMG Guidelines, 2015. Collection method: clinical testing. Allele origin: germline. Observed: 975 variant alleles.

Genome-Nilou Lab
Classification: Benign for Brain abnormalities, neurodegeneration, and dysosteosclerosis. Last evaluated: 2021-07-30. Review status: criteria provided, single submitter. Criteria: ACMG Guidelines, 2015. Collection method: clinical testing. Allele origin: germline. Affected: no.

Genome-Nilou Lab
Classification: Benign for Leukoencephalopathy, diffuse hereditary, with spheroids 1. Last evaluated: 2021-07-30. Review status: criteria provided, single submitter. Criteria: ACMG Guidelines, 2015. Collection method: clinical testing. Allele origin: germline. Affected: no.

GeneDx
Classification: Benign. Last evaluated: 2019-06-03. Review status: criteria provided, single submitter. Criteria: GeneDx Variant Classification Process June 2021. Collection method: clinical testing. Allele origin: germline. Affected: yes.

Illumina Laboratory Services, Illumina
Classification: Benign for Leukoencephalopathy, diffuse hereditary, with spheroids 1. Last evaluated: 2018-01-13. Review status: criteria provided, single submitter. Criteria: ICSL Variant Classification Criteria 13 December 2019. Collection method: clinical testing. Allele origin: germline.
Comment: This variant was observed in the ICSL laboratory as part of a predisposition screen in an ostensibly healthy population. It had not been previously curated by ICSL or reported in the Human Gene Mutation Database (HGMD: prior to June 1st, 2018), and was therefore a candidate for classification through an automated scoring system. Utilizing variant allele frequency, disease prevalence and penetrance estimates, and inheritance mode, an automated score was calculated to assess if this variant is too frequent to cause the disease. Based on the score and internal cut-off values, a variant classified as benign is not then subjected to further curation. The score for this variant resulted in a classification of benign for this disease.

Clinical Genetics DNA and cytogenetics Diagnostics Lab, Erasmus MC, Erasmus Medical Center
Classification: Benign for Leukoencephalopathy, diffuse hereditary, with spheroids 1. Last evaluated: 2015-09-21. Review status: criteria provided, single submitter. Criteria: ACGS Guidelines, 2013. Collection method: clinical testing. Allele origin: germline. Affected: yes. Study: VKGL Data-share Consensus.

Genome Diagnostics Laboratory, Amsterdam University Medical Center
Classification: Benign for Leukoencephalopathy, diffuse hereditary, with spheroids 1. Last evaluated: 2015-01-09. Review status: no assertion criteria provided. Criteria: ACGS Guidelines, 2013. Collection method: clinical testing. Allele origin: germline. Affected: yes. Study: VKGL Data-share Consensus. Not counted in ClinVar's aggregate classification.

NM_001288705.3(CSF1R):c.84T>C (p.Pro28=)

Gene: CSF1R (colony stimulating factor 1 receptor; minus strand). Cytogenetic location: 5q32.
Variant type: single nucleotide variant.
Coding change: c.84T>C on transcript NM_001288705.3 (MANE Select); coding-DNA position 84, T replaced by C.
Protein change: p.Pro28=; no amino-acid change (proline 28 retained).
Molecular consequence: synonymous variant. On other transcripts: 5 prime UTR variant (1), non-coding transcript variant (2).
Genome position (GRCh38, 1-based): chr5:150,080,990, A>G on the plus strand (T>C on the coding strand, the complement: CSF1R is on the minus strand). VCF-style: chr5-150080990-A-G. GRCh37 (hg19) VCF-style: chr5-149460553-A-G.
Other names: p.Pro28=; c.84T>C, p.Pro28= (NM_001349736.2, NM_001375320.1, NM_005211.4); c.-361T>C (NM_001375321.1).
Identifiers: ClinVar variation 352179 (VCV000352179.21), dbSNP rs216123, ClinGen allele CA3507286.